The following is an entry in ClinVar:

ClinVar aggregate classification (germline): Uncertain significance (1 of 4 stars; one submission).

gnomAD v4.1: 2 of 1,612,170 alleles (0.00012%); highest among the groups gnomAD compares: African/African-American, 0.0027%; no homozygotes.

Submission:

Mayo Clinic Laboratories, Mayo Clinic
Classification: Uncertain significance. Last evaluated: 2023-10-18. Review status: criteria provided, single submitter. Criteria: ACMG Guidelines, 2015. Collection method: clinical testing. Allele origin: germline. Observed: 1 variant allele.
Comment: PP3, PM2_moderate

NM_152419.3(HGSNAT):c.782G>A (p.Gly261Glu)

Gene: HGSNAT (heparan-alpha-glucosaminide N-acetyltransferase; plus strand). Cytogenetic location: 8p11.21.
Variant type: single nucleotide variant.
Coding change: c.782G>A on transcript NM_152419.3 (MANE Select); coding-DNA position 782, G replaced by A.
Protein change: p.Gly261Glu; replaces glycine 261 with glutamic acid.
Molecular consequence: missense variant. On other transcripts: 5 prime UTR variant (1).
Genome position (GRCh38, 1-based): chr8:43,172,348, G>A. VCF-style: chr8-43172348-G-A. GRCh37 (hg19) VCF-style: chr8-43027491-G-A.
Other names: p.Gly261Glu; c.782G>A, p.Gly261Glu (NM_001363227.2, NM_001363228.2); c.-52G>A (NM_001363229.2); short protein forms G261E.
Identifiers: ClinVar variation 3379820 (VCV003379820.1).